The following is an entry in ClinVar:

NM_012301.4(MAGI2):c.528G>A (p.Gly176=)

Gene: MAGI2 (membrane associated guanylate kinase, WW and PDZ domain containing 2; minus strand). Cytogenetic location: 7q21.11.
Variant type: single nucleotide variant.
Coding change: c.528G>A on transcript NM_012301.4 (MANE Select); coding-DNA position 528, G replaced by A.
Protein change: p.Gly176=; no amino-acid change (glycine 176 retained).
Molecular consequence: synonymous variant.
Genome position (GRCh38, 1-based): chr7:78,627,130, C>T on the plus strand (G>A on the coding strand, the complement: MAGI2 is on the minus strand). VCF-style: chr7-78627130-C-T. GRCh37 (hg19) VCF-style: chr7-78256446-C-T.
Other names: c.528G>A, p.Gly176= (NM_001301128.2).
Identifiers: ClinVar variation 284891 (VCV000284891.23), dbSNP rs140651421, ClinGen allele CA4314256.

ClinVar aggregate classification (germline): Benign/Likely benign. Review status: criteria provided, multiple submitters, no conflicts (2 of 4 stars). 6 submissions from 6 submitters: Benign (4); Likely benign (1). 1 of the submissions does not count toward it. Last evaluated 2025-12-13.

Conditions:
Nephrotic syndrome 15. Identifiers: MedGen C4539896, MONDO:0033262, OMIM 617609.
MAGI2-related disorder. Also called: MAGI2-related condition.

Allele frequency attached by ClinVar (database versions not stated): ESP Exome Variant Server 0.00015; gnomAD 0.00018 and 0.00058; TOPMed 0.00026; gnomAD exomes 0.00168; ExAC 0.00189; 1000 Genomes Project 30x 0.00328; 1000 Genomes Project 0.00419.
gnomAD v4.1: 1,182 of 1,582,784 alleles (0.075%); highest among the groups gnomAD compares: South Asian, 1.1%; 15 homozygotes.

Submissions (6):

Labcorp Genetics (formerly Invitae), Labcorp
Classification: Benign. Last evaluated: 2025-12-13. Review status: criteria provided, single submitter. Criteria: Invitae Variant Classification Sherloc (09022015). Collection method: clinical testing. Allele origin: germline.

CeGaT Center for Human Genetics Tuebingen
Classification: Benign. Last evaluated: 2025-11-01. Review status: criteria provided, single submitter. Criteria: CeGaT Center For Human Genetics Tuebingen Variant Classification Criteria Version 2. Collection method: clinical testing. Allele origin: germline. Affected: yes. Observed: 1 variant allele.
Comment: MAGI2: BP4, BP7, BS1, BS2

Fulgent Genetics
Classification: Likely benign for Nephrotic syndrome 15. Last evaluated: 2021-12-23. Review status: criteria provided, single submitter. Criteria: ACMG Guidelines, 2015. Collection method: clinical testing. Allele origin: unknown.

Eurofins Ntd Llc (ga)
Classification: Benign. Last evaluated: 2015-11-11. Review status: criteria provided, single submitter. Criteria: EGL Classification Definitions 2015. Collection method: clinical testing. Allele origin: germline. Observed: 1 variant allele, 1 heterozygote.

Breakthrough Genomics
Classification: Benign. Review status: criteria provided, single submitter. Criteria: ACMG Guidelines, 2015. Collection method: not provided. Allele origin: germline. Inheritance: Autosomal recessive inheritance. Affected: yes.

PreventionGenetics, part of Exact Sciences
Classification: Benign for MAGI2-related condition. Last evaluated: 2019-10-28. Review status: no assertion criteria provided. Collection method: clinical testing. Allele origin: germline. Not counted in ClinVar's aggregate classification.
Comment: This variant is classified as benign based on ACMG/AMP sequence variant interpretation guidelines (Richards et al. 2015 PMID: 25741868, with internal and published modifications).